The following is an entry in ClinVar:

NM_001112741.2(KCNC1):c.392C>A (p.Ala131Asp)

Gene: KCNC1 (potassium voltage-gated channel subfamily C member 1; plus strand). Cytogenetic location: 11p15.1.
Variant type: single nucleotide variant.
Coding change: c.392C>A on transcript NM_001112741.2 (MANE Select); coding-DNA position 392, C replaced by A.
Protein change: p.Ala131Asp; replaces alanine 131 with aspartic acid.
Molecular consequence: missense variant.
Genome position (GRCh38, 1-based): chr11:17,736,394, C>A. VCF-style: chr11-17736394-C-A. GRCh37 (hg19) VCF-style: chr11-17757941-C-A.
Other names: c.392C>A, p.Ala131Asp (NM_004976.4); short protein forms A131D.
Identifiers: ClinVar variation 1024248 (VCV001024248.9), dbSNP rs1848765901, ClinGen allele CA379801026.
Genomic context (GRCh38, chr11:17,736,394, plus strand): 5'-AGCACCGCGACGCCGAGGAGGCTCTGGACAGCTTCGGCGGCGCTCCTCTGGACAACAGCG[C>A]CGACGACGCGGACGCCGACGGCCCTGGCGACTCGGGCGACGGCGAGGACGAGCTGGAGAT-3'
Protein context (NP_001106212.1, residues 121-141): SFGGAPLDNS[Ala131Asp]DDADADGPGD

ClinVar aggregate classification (germline): Uncertain significance (1 of 4 stars; one submission).

Conditions:
Progressive myoclonic epilepsy type 7. Identifiers: Orphanet 435438, MedGen C4015420, MONDO:0014521, OMIM 616187.

Submission:

Labcorp Genetics (formerly Invitae), Labcorp
Classification: Uncertain significance for Progressive myoclonic epilepsy type 7. Last evaluated: 2022-06-27. Review status: criteria provided, single submitter. Criteria: Invitae Variant Classification Sherloc (09022015). Collection method: clinical testing. Allele origin: germline.
Comment: In summary, the available evidence is currently insufficient to determine the role of this variant in disease. Therefore, it has been classified as a Variant of Uncertain Significance. This variant is not present in population databases (gnomAD no frequency). This variant has not been reported in the literature in individuals affected with KCNC1-related conditions. ClinVar contains an entry for this variant (Variation ID: 1024248). Advanced modeling of protein sequence and biophysical properties (such as structural, functional, and spatial information, amino acid conservation, physicochemical variation, residue mobility, and thermodynamic stability) performed at Invitae indicates that this missense variant is not expected to disrupt KCNC1 protein function. This sequence change replaces alanine, which is neutral and non-polar, with aspartic acid, which is acidic and polar, at codon 131 of the KCNC1 protein (p.Ala131Asp).